The following is an entry in ClinVar:

NM_199420.4(POLQ):c.6091A>C (p.Ser2031Arg)

Gene: POLQ (DNA polymerase theta; minus strand). Cytogenetic location: 3q13.33.
Variant type: single nucleotide variant.
Coding change: c.6091A>C on transcript NM_199420.4 (MANE Select); coding-DNA position 6091, A replaced by C.
Protein change: p.Ser2031Arg; replaces serine 2031 with arginine.
Molecular consequence: missense variant.
Genome position (GRCh38, 1-based): chr3:121,481,692, T>G on the plus strand (A>C on the coding strand, the complement: POLQ is on the minus strand). VCF-style: chr3-121481692-T-G. GRCh37 (hg19) VCF-style: chr3-121200539-T-G.
Other names: short protein forms S2031R.
Identifiers: ClinVar variation 2449042 (VCV002449042.2), dbSNP rs1267107305, ClinGen allele CA354087867.
Genomic context (GRCh38, chr3:121,481,692, plus strand): 5'-TGGACTCCACAGATGCTCTGTATCGCCCAGAATGCTCACTGCCAGCATTTAGCCCCAGGC[T>G]TTGAATCCCTTGGCTGGTCTCCATCCCTTCTAGGAGTGGAAGCTCATGAGGAAGAAAACT-3'
Protein context (NP_955452.3, residues 2021-2041): EGMETSQGIQ[Ser2031Arg]LGLNAGSEHS

ClinVar aggregate classification (germline): Uncertain significance (1 of 4 stars; one submission).

Submission:

Ambry Genetics
Classification: Uncertain significance. Last evaluated: 2023-02-28. Review status: criteria provided, single submitter. Criteria: Ambry Variant Classification Scheme 2023. Collection method: clinical testing. Allele origin: germline.
Comment: The p.S2031R variant (also known as c.6091A>C), located in coding exon 19 of the POLQ gene, results from an A to C substitution at nucleotide position 6091. The serine at codon 2031 is replaced by arginine, an amino acid with dissimilar properties. This amino acid position is conserved. In addition, this alteration is predicted to be tolerated by in silico analysis. Since supporting evidence is limited at this time, the clinical significance of this alteration remains unclear.